The following is an entry in ClinVar:

NC_000003.11:g.(?_154801957)_(154802903_?)del

Gene: MME (membrane metalloendopeptidase; plus strand). Cytogenetic location: 3q25.2.
Variant type: Deletion.
Identifiers: ClinVar variation 1458704 (VCV001458704.5).

ClinVar aggregate classification (germline): Pathogenic (1 of 4 stars; one submission).

Submission:

Labcorp Genetics (formerly Invitae), Labcorp
Classification: Pathogenic. Last evaluated: 2023-11-22. Review status: criteria provided, single submitter. Criteria: Invitae Variant Classification Sherloc (09022015). Collection method: clinical testing. Allele origin: germline.
Comment: This variant is a gross deletion of the genomic region encompassing exon(s) 2-3 of the MME gene, which includes the initiator codon. This deletion extends beyond the assayed region for this gene and therefore may encompass additional genes. It is expected to result in an absent or disrupted protein product. Loss-of-function variants in MME are known to be pathogenic (PMID: 26991897). This variant has not been reported in the literature in individuals affected with MME-related conditions. For these reasons, this variant has been classified as Pathogenic.

Literature cited by the submitters: PubMed 26991897.